The following is an entry in ClinVar:

ClinVar aggregate classification (germline): Uncertain significance (1 of 4 stars; one submission).

Conditions:
Hereditary cancer-predisposing syndrome. Also called: Neoplastic Syndromes, Hereditary; Tumor predisposition; Hereditary Cancer Syndrome; Hereditary neoplastic syndrome. Identifiers: Orphanet 140162, MedGen C0027672, MeSH D009386, MONDO:0015356.

Submission:

Ambry Genetics
Classification: Uncertain significance for Hereditary cancer-predisposing syndrome. Last evaluated: 2026-05-05. Review status: criteria provided, single submitter. Criteria: Ambry Variant Classification Scheme 2023. Collection method: clinical testing. Allele origin: germline.
Comment: The p.T67I variant (also known as c.200C>T), located in coding exon 3 of the SDHD gene, results from a C to T substitution at nucleotide position 200. The threonine at codon 67 is replaced by isoleucine, an amino acid with similar properties. This amino acid position is well conserved in available vertebrate species. In addition, this alteration is predicted to be deleterious by in silico analysis. Based on the available evidence, the clinical significance of this variant remains unclear.

NM_003002.4(SDHD):c.200C>T (p.Thr67Ile)

Gene: SDHD (succinate dehydrogenase complex subunit D; plus strand). Cytogenetic location: 11q23.1.
Variant type: single nucleotide variant.
Coding change: c.200C>T on transcript NM_003002.4 (MANE Select); coding-DNA position 200, C replaced by T.
Protein change: p.Thr67Ile; replaces threonine 67 with isoleucine.
Molecular consequence: missense variant. On other transcripts: non-coding transcript variant (1), intron variant (1).
Genome position (GRCh38, 1-based): chr11:112,088,897, C>T. VCF-style: chr11-112088897-C-T. GRCh37 (hg19) VCF-style: chr11-111959621-C-T.
Other names: c.83C>T, p.Thr28Ile (NM_001276504.2); c.200C>T, p.Thr67Ile (NM_001276506.2); c.169+924C>T (NM_001276503.2); short protein forms T28I, T67I.
Identifiers: ClinVar variation 1784382 (VCV001784382.4), dbSNP rs1592780362, ClinGen allele CA382617216.